The following is an entry in ClinVar:

NM_000245.4(MET):c.550_579dup (p.Ile193_Asn194insValLeuSerSerValLysAspArgPheIle)

Gene: MET (MET proto-oncogene, receptor tyrosine kinase; plus strand). Cytogenetic location: 7q31.2.
Variant type: Duplication.
Coding change: c.550_579dup on transcript NM_000245.4 (MANE Select); coding-DNA positions 550 to 579, 30 bases duplicated (GTCCTTTCATCTGTAAAGGACCGGTTCATC).
Protein change: p.Ile193_Asn194insValLeuSerSerValLysAspArgPheIle.
Molecular consequence: inframe insertion. On other transcripts: intron variant (1).
Genome position (GRCh38, 1-based): chr7:116,699,634-116,699,663, GTCCTTTCATCTGTAAAGGACCGGTTCATC duplicated. VCF-style (leftmost placement, unchanged base first): chr7-116699633-A-AGTCCTTTCATCTGTAAAGGACCGGTTCATC. GRCh37 (hg19) VCF-style: chr7-116339687-A-AGTCCTTTCATCTGTAAAGGACCGGTTCATC.
Other names: c.550_579dup, p.Ile193_Asn194insValLeuSerSerValLysAspArgPheIle (NM_001127500.3, NM_001324401.3); c.-91+27057_-91+27086dup (NM_001324402.2).
Identifiers: ClinVar variation 2717304 (VCV002717304.3), dbSNP rs2485510504, ClinGen allele CA2697557547.

ClinVar aggregate classification (germline): Uncertain significance (1 of 4 stars; one submission).

Conditions:
Renal cell carcinoma. Identifiers: Orphanet 217071, MedGen C0007134, MeSH D002292, MONDO:0005086, HP:0005584.

Submission:

Labcorp Genetics (formerly Invitae), Labcorp
Classification: Uncertain significance for Renal cell carcinoma. Last evaluated: 2023-06-16. Review status: criteria provided, single submitter. Criteria: Invitae Variant Classification Sherloc (09022015). Collection method: clinical testing. Allele origin: germline.
Comment: This variant, c.550_579dup, results in the insertion of 10 amino acid(s) of the MET protein (p.Val184_Ile193dup), but otherwise preserves the integrity of the reading frame. This variant is not present in population databases (gnomAD no frequency). In summary, the available evidence is currently insufficient to determine the role of this variant in disease. Therefore, it has been classified as a Variant of Uncertain Significance. This variant has not been reported in the literature in individuals affected with MET-related conditions.